The following is an entry in ClinVar:

ClinVar aggregate classification (germline): Uncertain significance (1 of 4 stars; one submission).

Submission:

Greenwood Genetic Center Diagnostic Laboratories, Greenwood Genetic Center
Classification: Uncertain significance. Last evaluated: 2022-01-21. Review status: criteria provided, single submitter. Criteria: ACMG Guidelines, 2015. Collection method: clinical testing. Allele origin: germline. Affected: yes.
Comment: Gene of Uncertain Significance

NM_015409.5(EP400):c.6026C>T (p.Ala2009Val)

Gene: EP400 (E1A binding protein p400; plus strand). Cytogenetic location: 12q24.33.
Variant type: single nucleotide variant.
Coding change: c.6026C>T on transcript NM_015409.5 (MANE Select); coding-DNA position 6026, C replaced by T.
Protein change: p.Ala2009Val; replaces alanine 2009 with valine.
Molecular consequence: missense variant.
Genome position (GRCh38, 1-based): chr12:132,037,756, C>T. VCF-style: chr12-132037756-C-T. GRCh37 (hg19) VCF-style: chr12-132522301-C-T.
Other names: short protein forms A2009V.
Identifiers: ClinVar variation 1676543 (VCV001676543.3), dbSNP rs1418853123, ClinGen allele CA387341087.
Genomic context (GRCh38, chr12:132,037,756, plus strand): 5'-ATTCCATTGAAGAGAAATTGTTGAAAAATGGAACTAAAGATCTGATCCGAGAAGTGGCTG[C>T]TCAGGGAAATGACTACTCCATGGCTTTCTTAACTCAGGTACTCCTTATTCAATGAGAGGC-3'
Protein context (NP_056224.3, residues 1999-2019): GTKDLIREVA[Ala2009Val]QGNDYSMAFL